The following is an entry in ClinVar:

NM_000548.5(TSC2):c.3969G>A (p.Ala1323=)

Gene: TSC2 (TSC complex subunit 2; plus strand). Cytogenetic location: 16p13.3.
Variant type: single nucleotide variant.
Coding change: c.3969G>A on transcript NM_000548.5 (MANE Select); coding-DNA position 3969, G replaced by A.
Protein change: p.Ala1323=; no amino-acid change (alanine 1323 retained).
Molecular consequence: synonymous variant.
Genome position (GRCh38, 1-based): chr16:2,083,780, G>A. VCF-style: chr16-2083780-G-A. GRCh37 (hg19) VCF-style: chr16-2133781-G-A.
Other names: c.3969G>A (NM_000548.4); c.3768G>A, p.Ala1256= (NM_001077183.3); c.3900G>A, p.Ala1300= (NM_001114382.3); c.3660G>A, p.Ala1220= (NM_001318827.2); c.3624G>A, p.Ala1208= (NM_001318829.2); c.3237G>A, p.Ala1079= (NM_001318831.2); c.3801G>A, p.Ala1267= (NM_001318832.2); c.3771G>A, p.Ala1257= (NM_001363528.2); and 2 more.
Identifiers: ClinVar variation 238034 (VCV000238034.25), dbSNP rs749057825, ClinGen allele CA049805.

ClinVar aggregate classification (germline): Benign/Likely benign. Review status: criteria provided, multiple submitters, no conflicts (2 of 4 stars). 11 submissions from 11 submitters: Benign (4); Likely benign (7). Last evaluated 2026-03-23.

Conditions:
TSC2-related disorder. Also called: TSC2-related condition; TSC2-Related Disorders.
Hereditary cancer-predisposing syndrome. Also called: Neoplastic Syndromes, Hereditary; Hereditary neoplastic syndrome; Hereditary Cancer Syndrome; Tumor predisposition. Identifiers: Orphanet 140162, MedGen C0027672, MeSH D009386, MONDO:0015356.
Tuberous sclerosis syndrome (TSC). Also called: Tuberous sclerosis; Tuberous Sclerosis Complex. Identifiers: Orphanet 805, MedGen C0041341, MONDO:0001734.
Tuberous sclerosis 2 (TSC2). Identifiers: Orphanet 805, MedGen C1860707, MONDO:0013199, OMIM 613254.

Allele frequency attached by ClinVar (database versions not stated): gnomAD 0.00003; TOPMed 0.00004; ExAC 0.00006; gnomAD exomes 0.00006.
gnomAD v4.1: 58 of 1,611,268 alleles (0.0036%); highest among the groups gnomAD compares: South Asian, 0.013%; no homozygotes.

Submissions (11):

PreventionGenetics, part of Exact Sciences
Classification: Likely benign for TSC2-related condition. Last evaluated: 2026-03-23. Review status: criteria provided, single submitter. Criteria: ACMG Guidelines, 2015. Collection method: clinical testing. Allele origin: germline.
Comment: This variant is classified as likely benign based on ACMG/AMP sequence variant interpretation guidelines (Richards et al. 2015 PMID: 25741868, with internal and published modifications).

Labcorp Genetics (formerly Invitae), Labcorp
Classification: Benign for Tuberous sclerosis 2. Last evaluated: 2025-12-23. Review status: criteria provided, single submitter. Criteria: Invitae Variant Classification Sherloc (09022015). Collection method: clinical testing. Allele origin: germline.

Myriad Genetics, Inc.
Classification: Benign for Tuberous sclerosis 2. Last evaluated: 2025-06-02. Review status: criteria provided, single submitter. Criteria: Myriad Autosomal Dominant, Autosomal Recessive and X-Linked Classification Criteria (2023). Collection method: clinical testing. Allele origin: unknown.
Comment: This variant is considered benign. This variant is a silent/synonymous amino acid change and it is not expected to impact splicing.

All of Us Research Program, National Institutes of Health
Classification: Likely benign for Tuberous sclerosis syndrome. Last evaluated: 2023-12-13. Review status: criteria provided, single submitter. Criteria: ACMG Guidelines, 2015. Collection method: clinical testing. Allele origin: germline. Inheritance: Autosomal dominant inheritance. Observed: 13 variant alleles, 13 heterozygotes.
Comment: This study involves interpretation of variants in research participants for the purpose of population health screening. Participant phenotype was not available at the time of variant classification. Additional details can be found in publication PMID: 35346344, PMCID: PMC8962531

Color Diagnostics, LLC DBA Color Health
Classification: Likely benign for Tuberous sclerosis syndrome. Last evaluated: 2022-10-05. Review status: criteria provided, single submitter. Criteria: ACMG Guidelines, 2015. Collection method: clinical testing. Allele origin: germline.

Blueprint Genetics
Classification: Likely benign. Last evaluated: 2022-07-27. Review status: criteria provided, single submitter. Criteria: ACMG Guidelines, 2015. Collection method: clinical testing. Allele origin: germline.

Sema4
Classification: Likely benign for Hereditary cancer-predisposing syndrome. Last evaluated: 2022-03-13. Review status: criteria provided, single submitter. Criteria: Sema4 Curation Guidelines. Collection method: curation. Allele origin: germline.

Genome-Nilou Lab
Classification: Benign for Tuberous sclerosis 2. Last evaluated: 2021-11-07. Review status: criteria provided, single submitter. Criteria: ACMG Guidelines, 2015. Collection method: clinical testing. Allele origin: germline. Affected: no.

GeneDx
Classification: Likely benign. Last evaluated: 2021-03-29. Review status: criteria provided, single submitter. Criteria: GeneDx Variant Classification Process June 2021. Collection method: clinical testing. Allele origin: germline. Affected: yes.

Ambry Genetics
Classification: Likely benign for Hereditary cancer-predisposing syndrome. Last evaluated: 2017-04-13. Review status: criteria provided, single submitter. Criteria: Ambry Variant Classification Scheme 2023. Collection method: clinical testing. Allele origin: germline.

Athena Diagnostics
Classification: Benign. Last evaluated: 2016-09-16. Review status: criteria provided, single submitter. Criteria: Athena Diagnostics Criteria. Collection method: clinical testing. Allele origin: germline.